The following is an entry in ClinVar:

NM_005045.4(RELN):c.4075A>G (p.Met1359Val)

Gene: RELN (reelin; minus strand). Cytogenetic location: 7q22.1.
Variant type: single nucleotide variant.
Coding change: c.4075A>G on transcript NM_005045.4 (MANE Select); coding-DNA position 4075, A replaced by G.
Protein change: p.Met1359Val; replaces methionine 1359 with valine.
Molecular consequence: missense variant.
Genome position (GRCh38, 1-based): chr7:103,589,666, T>C on the plus strand (A>G on the coding strand, the complement: RELN is on the minus strand). VCF-style: chr7-103589666-T-C. GRCh37 (hg19) VCF-style: chr7-103230113-T-C.
Other names: c.4075A>G, p.Met1359Val (NM_173054.3); short protein forms M1359V.
Identifiers: ClinVar variation 644254 (VCV000644254.12), dbSNP rs772573526, ClinGen allele CA4421607.
Genomic context (GRCh38, chr7:103,589,666, plus strand): 5'-GAGACCTTGGAATAACAATGGTGATTCTTGTCCATTCTTCAAAGTCCCCTGTGTGATACA[T>C]GGTGGGCTCACTTAGTTCTCTGGAGTTTCCTTCGCATCCTTTGCCTGCAGAAGCCGGGTA-3'
Protein context (NP_005036.2, residues 1349-1369): GNSRELSEPT[Met1359Val]YHTGDFEEWT

ClinVar aggregate classification (germline): Conflicting classifications of pathogenicity. Review status: criteria provided, conflicting classifications (1 of 4 stars). 2 submissions from 2 submitters: Uncertain significance (1); Likely benign (1). Last evaluated 2023-03-08.

Conditions:
Familial temporal lobe epilepsy 7. Identifiers: Orphanet 101046, MedGen C4225327, MONDO:0014639, OMIM 616436.
Norman-Roberts syndrome (LIS2). Also called: Lissencephaly 2 (Norman-Roberts type). Identifiers: Orphanet 89844, MedGen C0796089, MONDO:0009760, OMIM 257320.

Allele frequency attached by ClinVar (database versions not stated): gnomAD 0.00001; gnomAD exomes 0.00001 and 0.00002; TOPMed 0.00001; ExAC 0.00003.

Submissions (2):

Labcorp Genetics (formerly Invitae), Labcorp
Classification: Likely benign for Familial temporal lobe epilepsy 7; Norman-Roberts syndrome. Last evaluated: 2023-03-08. Review status: criteria provided, single submitter. Criteria: Invitae Variant Classification Sherloc (09022015). Collection method: clinical testing. Allele origin: germline.

GeneDx
Classification: Uncertain significance. Last evaluated: 2020-02-14. Review status: criteria provided, single submitter. Criteria: GeneDx Variant Classification Process June 2021. Collection method: clinical testing. Allele origin: germline. Affected: yes.
Comment: Not observed at a significant frequency in large population cohorts (Lek et al., 2016); In silico analysis supports that this missense variant does not alter protein structure/function; Has not been previously published as pathogenic or benign to our knowledge